The following is an entry in ClinVar:

ClinVar aggregate classification (germline): Uncertain significance (1 of 4 stars; one submission).

Conditions:
Familial adenomatous polyposis 1 (FAP1). Also called: FAMILIAL ADENOMATOUS POLYPOSIS 1, ATTENUATED; POLYPOSIS, ADENOMATOUS INTESTINAL. Identifiers: MedGen C2713442, MONDO:0021056, OMIM 175100. Disease mechanism: loss of function.

Allele frequency attached by ClinVar (database versions not stated): gnomAD exomes below 0.00001; TOPMed below 0.00001.

Submission:

Labcorp Genetics (formerly Invitae), Labcorp
Classification: Uncertain significance for Familial adenomatous polyposis 1. Last evaluated: 2025-06-09. Review status: criteria provided, single submitter. Criteria: Invitae Variant Classification Sherloc (09022015). Collection method: clinical testing. Allele origin: germline.
Comment: This variant occurs in a non-coding region of the APC gene. It does not change the encoded amino acid sequence of the APC protein. This variant is not present in population databases (gnomAD no frequency). This variant has not been reported in the literature in individuals affected with APC-related conditions. ClinVar contains an entry for this variant (Variation ID: 653429). Experimental studies and prediction algorithms are not available or were not evaluated, and the functional significance of this variant is currently unknown. In summary, the available evidence is currently insufficient to determine the role of this variant in disease. Therefore, it has been classified as a Variant of Uncertain Significance.

NC_000005.10:g.112707494A>G

Genes: APC (APC regulator of Wnt signaling pathway; plus strand), LOC129994371 (ATAC-STARR-seq lymphoblastoid active region 22910; plus strand). Cytogenetic location: 5q22.2.
Variant type: single nucleotide variant.
Genome position: GRCh38 VCF-style: chr5-112707494-A-G. GRCh37 (hg19) VCF-style: chr5-112043191-A-G.
Identifiers: ClinVar variation 653429 (VCV000653429.9), dbSNP rs1293734316, ClinGen allele CA802056986.
Genomic context (GRCh38, chr5:112,707,494, plus strand): 5'-CGCCTGCGCATAACAGGCTCTAGTCTCCGGGCTGTGGGAAGCCAGCAACACCTCTCACGC[A>G]TGCGCATTGTAGTCTTCCCACCTCCCACAAGATGGCGGAGGGCAAGTAGCAAGGGGGCGG-3'